The following is an entry in ClinVar:

NM_000027.4(AGA):c.941-253G>A

Gene: AGA (aspartylglucosaminidase; minus strand). Cytogenetic location: 4q34.3.
Variant type: single nucleotide variant.
Coding change: c.941-253G>A on transcript NM_000027.4 (MANE Select); 253 bases into the intron before coding-DNA position 941, G replaced by A.
Molecular consequence: intron variant.
Genome position (GRCh38, 1-based): chr4:177,432,061, C>T on the plus strand (G>A on the coding strand, the complement: AGA is on the minus strand). VCF-style: chr4-177432061-C-T. GRCh37 (hg19) VCF-style: chr4-178353215-C-T.
Other names: c.911-253G>A (NM_001171988.2).
Identifiers: ClinVar variation 1707295 (VCV001707295.2), dbSNP rs114891244, ClinGen allele CA110786456.

ClinVar aggregate classification (germline): Likely benign (1 of 4 stars; one submission).

Allele frequency attached by ClinVar (database versions not stated): gnomAD 0.00337; TOPMed 0.00368; 1000 Genomes Project 0.00379; 1000 Genomes Project 30x 0.00390.
gnomAD v4.1: 510 of 152,286 alleles (0.33%); highest among the groups gnomAD compares: African/African-American, 1.1%; no homozygotes.

Submission:

GeneDx
Classification: Likely benign. Last evaluated: 2018-07-15. Review status: criteria provided, single submitter. Criteria: GeneDx Variant Classification Process June 2021. Collection method: clinical testing. Allele origin: germline. Affected: yes.
Comment: See Variant Classification Assertion Criteria.